The following is an entry in ClinVar:

NM_001127222.2(CACNA1A):c.4426C>T (p.Gln1476Ter)

Gene: CACNA1A (calcium voltage-gated channel subunit alpha1 A; minus strand). Cytogenetic location: 19p13.13.
Variant type: single nucleotide variant.
Coding change: c.4426C>T on transcript NM_001127222.2 (MANE Select); coding-DNA position 4426, C replaced by T.
Protein change: p.Gln1476Ter; replaces glutamine 1476 with a stop codon.
Molecular consequence: nonsense.
Genome position (GRCh38, 1-based): chr19:13,257,514, G>A on the plus strand (C>T on the coding strand, the complement: CACNA1A is on the minus strand). VCF-style: chr19-13257514-G-A. GRCh37 (hg19) VCF-style: chr19-13368328-G-A.
Other names: c.4438C>T, p.Gln1480Ter (NM_000068.4, NM_023035.3); c.4429C>T, p.Gln1477Ter (NM_001127221.2, NM_001174080.2); short protein forms Q1477*, Q1476*, Q1480*.
Identifiers: ClinVar variation 476259 (VCV000476259.7), dbSNP rs1555743942, ClinGen allele CA404339094.

ClinVar aggregate classification (germline): Pathogenic (1 of 4 stars; one submission).

Conditions:
Developmental and epileptic encephalopathy, 42 (DEE42A). Also called: DEVELOPMENTAL AND EPILEPTIC ENCEPHALOPATHY 42A; EPILEPTIC ENCEPHALOPATHY, EARLY INFANTILE, 42A; Epileptic encephalopathy, early infantile, 42. Identifiers: MedGen C4310716, MONDO:0014917, OMIM 617106.
Episodic ataxia type 2 (EA2). Also called: ACETAZOLAMIDE-RESPONSIVE HEREDITARY PAROXYSMAL CEREBELLAR ATAXIA; ATAXIA, EPISODIC, WITH NYSTAGMUS; ATAXIA, FAMILIAL PAROXYSMAL; CEREBELLAR ATAXIA, PAROXYSMAL, ACETAZOLAMIDE-RESPONSIVE; CEREBELLOPATHY, HEREDITARY PAROXYSMAL; EPISODIC ATAXIA, NYSTAGMUS-ASSOCIATED. Identifiers: Orphanet 97, MedGen C1720416, MONDO:0007163, OMIM 108500.

Submission:

Labcorp Genetics (formerly Invitae), Labcorp
Classification: Pathogenic for Developmental and epileptic encephalopathy, 42; Episodic ataxia type 2. Last evaluated: 2021-12-10. Review status: criteria provided, single submitter. Criteria: Invitae Variant Classification Sherloc (09022015). Collection method: clinical testing. Allele origin: germline.
Comment: For these reasons, this variant has been classified as Pathogenic. ClinVar contains an entry for this variant (Variation ID: 476259). This variant has not been reported in the literature in individuals affected with CACNA1A-related conditions. This variant is not present in population databases (gnomAD no frequency). This sequence change creates a premature translational stop signal (p.Gln1477*) in the CACNA1A gene. It is expected to result in an absent or disrupted protein product. Loss-of-function variants in CACNA1A are known to be pathogenic (PMID: 10371528, 19486177, 25735478, 27250579).

Literature cited by the submitters: PubMed 10371528; PubMed 19486177; PubMed 25735478; PubMed 27250579.